The following is an entry in ClinVar:

NM_153252.5(BRWD3):c.5179C>T (p.Arg1727Cys)

Gene: BRWD3 (bromodomain and WD repeat domain containing 3; minus strand). Cytogenetic location: Xq21.1.
Variant type: single nucleotide variant.
Coding change: c.5179C>T on transcript NM_153252.5 (MANE Select); coding-DNA position 5179, C replaced by T.
Protein change: p.Arg1727Cys; replaces arginine 1727 with cysteine.
Molecular consequence: missense variant.
Genome position (GRCh38, 1-based): chrX:80,676,839, G>A on the plus strand (C>T on the coding strand, the complement: BRWD3 is on the minus strand). VCF-style: chrX-80676839-G-A. GRCh37 (hg19) VCF-style: chrX-79932338-G-A.
Other names: short protein forms R1727C.
Identifiers: ClinVar variation 3682311 (VCV003682311.2).

ClinVar aggregate classification (germline): Uncertain significance (1 of 4 stars; one submission).

gnomAD v4.1: 24 of 1,210,806 alleles (0.002%); highest among the groups gnomAD compares: Middle Eastern, 0.023%; no homozygotes.

Submission:

Labcorp Genetics (formerly Invitae), Labcorp
Classification: Uncertain significance. Last evaluated: 2025-10-26. Review status: criteria provided, single submitter. Criteria: Invitae Variant Classification Sherloc (09022015). Collection method: clinical testing. Allele origin: germline.
Comment: This sequence change replaces arginine, which is basic and polar, with cysteine, which is neutral and slightly polar, at codon 1727 of the BRWD3 protein (p.Arg1727Cys). This variant is present in population databases (rs762018167, gnomAD 0.008%), including at least one homozygous and/or hemizygous individual. This variant has not been reported in the literature in individuals affected with BRWD3-related conditions. ClinVar contains an entry for this variant (Variation ID: 3682311). Invitae Evidence Modeling of protein sequence and biophysical properties (such as structural, functional, and spatial information, amino acid conservation, physicochemical variation, residue mobility, and thermodynamic stability) indicates that this missense variant is not expected to disrupt BRWD3 protein function with a negative predictive value of 80%. In summary, the available evidence is currently insufficient to determine the role of this variant in disease. Therefore, it has been classified as a Variant of Uncertain Significance.